The following is an entry in ClinVar:

ClinVar aggregate classification (germline): Benign. Review status: criteria provided, multiple submitters, no conflicts (2 of 4 stars). 2 submissions from 2 submitters: Benign (2). Last evaluated 2018-01-13.

Conditions:
Pseudohypoparathyroidism type 1B (PHP1B). Also called: PHP IB; Pseudohypoparathyroidism Ib (PHP-Ib); Pseudohypoparathyroidism Type IB. Identifiers: Orphanet 94089, MedGen C1864100, MONDO:0011301, OMIM 603233.

Allele frequency attached by ClinVar (database versions not stated): TOPMed 0.01351; 1000 Genomes Project 0.01398; gnomAD 0.01442 and 0.01465; 1000 Genomes Project 30x 0.01452.

Submissions (2):

Illumina Laboratory Services, Illumina
Classification: Benign for Pseudohypoparathyroidism type 1B. Last evaluated: 2018-01-13. Review status: criteria provided, single submitter. Criteria: ICSL Variant Classification Criteria 13 December 2019. Collection method: clinical testing. Allele origin: germline.
Comment: This variant was observed in the ICSL laboratory as part of a predisposition screen in an ostensibly healthy population. It had not been previously curated by ICSL or reported in the Human Gene Mutation Database (HGMD: prior to June 1st, 2018), and was therefore a candidate for classification through an automated scoring system. Utilizing variant allele frequency, disease prevalence and penetrance estimates, and inheritance mode, an automated score was calculated to assess if this variant is too frequent to cause the disease. Based on the score and internal cut-off values, a variant classified as benign is not then subjected to further curation. The score for this variant resulted in a classification of benign for this disease.

Breakthrough Genomics
Classification: Benign. Review status: criteria provided, single submitter. Criteria: ACMG Guidelines, 2015. Collection method: not provided. Allele origin: germline. Inheritance: Autosomal dominant inheritance. Affected: yes.

NM_001001433.3(STX16):c.*1899C>T

Genes: STX16 (syntaxin 16; plus strand), STX16-NPEPL1 (STX16-NPEPL1 readthrough (NMD candidate); plus strand). Cytogenetic location: 20q13.32.
Variant type: single nucleotide variant.
Coding change: c.*1899C>T on transcript NM_001001433.3 (MANE Select); 1899 bases downstream of the stop codon, C replaced by T.
Molecular consequence: 3 prime UTR variant. On other transcripts: non-coding transcript variant (3).
Genome position (GRCh38, 1-based): chr20:58,678,190, C>T. VCF-style: chr20-58678190-C-T. GRCh37 (hg19) VCF-style: chr20-57253246-C-T.
Other names: c.*1899C>T (NM_001134772.3, NM_001134773.3, NM_001204868.2 and 1 more transcripts).
Identifiers: ClinVar variation 339086 (VCV000339086.6), dbSNP rs138678203, ClinGen allele CA10653306.